The following is an entry in ClinVar:

NM_144687.4(NLRP12):c.593C>A (p.Thr198Asn)

Gene: NLRP12 (NLR family pyrin domain containing 12; minus strand). Cytogenetic location: 19q13.42.
Variant type: single nucleotide variant.
Coding change: c.593C>A on transcript NM_144687.4 (MANE Select); coding-DNA position 593, C replaced by A.
Protein change: p.Thr198Asn; replaces threonine 198 with asparagine.
Molecular consequence: missense variant.
Genome position (GRCh38, 1-based): chr19:53,811,066, G>T on the plus strand (C>A on the coding strand, the complement: NLRP12 is on the minus strand). VCF-style: chr19-53811066-G-T. GRCh37 (hg19) VCF-style: chr19-54314320-G-T.
Other names: c.593C>A, p.Thr198Asn (NM_001277126.2, NM_001277129.1); short protein forms T198N.
Identifiers: ClinVar variation 1422281 (VCV001422281.8), dbSNP rs199829926, ClinGen allele CA407416384.

ClinVar aggregate classification (germline): Uncertain significance (1 of 4 stars; one submission).

Conditions:
Familial cold autoinflammatory syndrome 2 (FCAS2). Identifiers: Orphanet 247868, MedGen C2673198, MONDO:0012724, OMIM 611762.

Allele frequency attached by ClinVar (database versions not stated): gnomAD 0.00001.
gnomAD v4.1: 4 of 1,612,772 alleles (0.00025%); highest among the groups gnomAD compares: South Asian, 0.0011%; no homozygotes.

Submission:

Labcorp Genetics (formerly Invitae), Labcorp
Classification: Uncertain significance for Familial cold autoinflammatory syndrome 2. Last evaluated: 2021-07-28. Review status: criteria provided, single submitter. Criteria: Invitae Variant Classification Sherloc (09022015). Collection method: clinical testing. Allele origin: germline.
Comment: Algorithms developed to predict the effect of missense changes on protein structure and function are either unavailable or do not agree on the potential impact of this missense change (SIFT: "Deleterious"; PolyPhen-2: "Possibly Damaging"; Align-GVGD: "Class C0"). This variant has not been reported in the literature in individuals affected with NLRP12-related conditions. This variant is not present in population databases (ExAC no frequency). This sequence change replaces threonine with asparagine at codon 198 of the NLRP12 protein (p.Thr198Asn). The threonine residue is highly conserved and there is a small physicochemical difference between threonine and asparagine. In summary, the available evidence is currently insufficient to determine the role of this variant in disease. Therefore, it has been classified as a Variant of Uncertain Significance.